The following is an entry in ClinVar:

ClinVar aggregate classification (germline): Benign. Review status: criteria provided, multiple submitters, no conflicts (2 of 4 stars). 3 submissions from 3 submitters: Benign (3). Last evaluated 2017-06-15.

Allele frequency attached by ClinVar (database versions not stated): gnomAD 0.00570 and 0.00679; TOPMed 0.00594; ESP Exome Variant Server 0.00654; 1000 Genomes Project 0.00899; 1000 Genomes Project 30x 0.00906; gnomAD exomes 0.01097 and 0.01148; ExAC 0.01117.
gnomAD v4.1: 17,809 of 1,614,098 alleles (1.1%); highest among the groups gnomAD compares: South Asian, 4.7%; 230 homozygotes.

Submissions (3):

Center for Pediatric Genomic Medicine, Children's Mercy Hospital and Clinics
Classification: Benign. Last evaluated: 2017-06-15. Review status: criteria provided, single submitter. Criteria: ACMG Guidelines, 2015. Collection method: clinical testing. Allele origin: germline.

Laboratory for Molecular Medicine, Mass General Brigham Personalized Medicine
Classification: Benign. Last evaluated: 2016-03-28. Review status: criteria provided, single submitter. Criteria: LMM Criteria. Collection method: clinical testing. Allele origin: germline.
Comment: Variant identified in a genome or exome case(s) and assessed due to predicted null impact of the variant or pathogenic assertions in the literature or databases. Disclaimer: This variant has not undergone full assessment. The following are preliminary notes: Frequency

Breakthrough Genomics
Classification: Benign. Review status: criteria provided, single submitter. Criteria: ACMG Guidelines, 2015. Collection method: not provided. Allele origin: germline. Inheritance: Autosomal dominant inheritance. Affected: yes.

NM_002447.4(MST1R):c.1838A>C (p.Gln613Pro)

Gene: MST1R (macrophage stimulating 1 receptor; minus strand). Cytogenetic location: 3p21.31.
Variant type: single nucleotide variant.
Coding change: c.1838A>C on transcript NM_002447.4 (MANE Select); coding-DNA position 1838, A replaced by C.
Protein change: p.Gln613Pro; replaces glutamine 613 with proline.
Molecular consequence: missense variant. On other transcripts: non-coding transcript variant (1).
Genome position (GRCh38, 1-based): chr3:49,898,093, T>G on the plus strand (A>C on the coding strand, the complement: MST1R is on the minus strand). VCF-style: chr3-49898093-T-G. GRCh37 (hg19) VCF-style: chr3-49935526-T-G.
Other names: c.1838A>C, p.Gln613Pro (NM_001244937.3); c.1520A>C, p.Gln507Pro (NM_001318913.2); short protein forms Q613P, Q507P.
Identifiers: ClinVar variation 403115 (VCV000403115.6), dbSNP rs35986685, ClinGen allele CA2409112.